The following is an entry in ClinVar:

ClinVar aggregate classification (germline): Uncertain significance (0 of 4 stars; one submission).

Conditions:
MACF1-related disorder. Also called: MACF1-related condition.

Submission:

PreventionGenetics, part of Exact Sciences
Classification: Uncertain significance for MACF1-related condition. Last evaluated: 2024-05-14. Review status: no assertion criteria provided. Collection method: clinical testing. Allele origin: germline.
Comment: The MACF1 c.2267C>G variant is predicted to result in the amino acid substitution p.Thr756Arg. To our knowledge, this variant has not been reported in the literature or in a large population database, indicating this variant is rare. At this time, the clinical significance of this variant is uncertain due to the absence of conclusive functional and genetic evidence.

NM_001394062.1(MACF1):c.2252C>G (p.Thr751Arg)

Gene: MACF1 (microtubule actin crosslinking factor 1; plus strand). Cytogenetic location: 1p34.3.
Variant type: single nucleotide variant.
Coding change: c.2252C>G on transcript NM_001394062.1 (MANE Select); coding-DNA position 2252, C replaced by G.
Protein change: p.Thr751Arg; replaces threonine 751 with arginine.
Molecular consequence: missense variant.
Genome position (GRCh38, 1-based): chr1:39,295,143, C>G. VCF-style: chr1-39295143-C-G. GRCh37 (hg19) VCF-style: chr1-39760815-C-G.
Other names: c.2267C>G, p.Thr756Arg (NM_012090.5); short protein forms T751R, T756R.
Identifiers: ClinVar variation 3347848 (VCV003347848.1).